The following is an entry in ClinVar:

NM_004655.4(AXIN2):c.312C>T (p.Cys104=)

Gene: AXIN2 (axin 2; minus strand). Cytogenetic location: 17q24.1.
Variant type: single nucleotide variant.
Coding change: c.312C>T on transcript NM_004655.4 (MANE Select); coding-DNA position 312, C replaced by T.
Protein change: p.Cys104=; no amino-acid change (cysteine 104 retained).
Molecular consequence: synonymous variant.
Genome position (GRCh38, 1-based): chr17:65,558,309, G>A on the plus strand (C>T on the coding strand, the complement: AXIN2 is on the minus strand). VCF-style: chr17-65558309-G-A. GRCh37 (hg19) VCF-style: chr17-63554427-G-A.
Other names: c.312C>T, p.Cys104= (NM_001363813.1).
Identifiers: ClinVar variation 796529 (VCV000796529.11), dbSNP rs373628863, ClinGen allele CA501691928.

ClinVar aggregate classification (germline): Benign/Likely benign. Review status: criteria provided, multiple submitters, no conflicts (2 of 4 stars). 3 submissions from 3 submitters: Benign (1); Likely benign (2). Last evaluated 2024-06-26.

Conditions:
Hereditary cancer-predisposing syndrome. Also called: Neoplastic Syndromes, Hereditary; Hereditary neoplastic syndrome; Tumor predisposition; Hereditary Cancer Syndrome. Identifiers: Orphanet 140162, MedGen C0027672, MeSH D009386, MONDO:0015356.
Oligodontia-cancer predisposition syndrome. Also called: TOOTH AGENESIS-COLORECTAL CANCER SYNDROME. Identifiers: Orphanet 300576, MedGen C1837750, MONDO:0012075, OMIM 608615. Disease mechanism: loss of function.

Submissions (3):

Myriad Genetics, Inc.
Classification: Benign for Oligodontia-cancer predisposition syndrome. Last evaluated: 2024-06-26. Review status: criteria provided, single submitter. Criteria: Myriad Autosomal Dominant, Autosomal Recessive and X-Linked Classification Criteria (2023). Collection method: clinical testing. Allele origin: unknown.
Comment: This variant is considered benign. This variant is a silent/synonymous amino acid change and it is not expected to impact splicing.

Ambry Genetics
Classification: Likely benign for Hereditary cancer-predisposing syndrome. Last evaluated: 2024-05-18. Review status: criteria provided, single submitter. Criteria: Ambry Variant Classification Scheme 2023. Collection method: clinical testing. Allele origin: germline.

Labcorp Genetics (formerly Invitae), Labcorp
Classification: Likely benign for Oligodontia-cancer predisposition syndrome. Last evaluated: 2018-12-04. Review status: criteria provided, single submitter. Criteria: Invitae Variant Classification Sherloc (09022015). Collection method: clinical testing. Allele origin: germline.